The following is an entry in ClinVar:

NM_006031.6(PCNT):c.4602A>G (p.Gln1534=)

Gene: PCNT (pericentrin; plus strand). Cytogenetic location: 21q22.3.
Variant type: single nucleotide variant.
Coding change: c.4602A>G on transcript NM_006031.6 (MANE Select); coding-DNA position 4602, A replaced by G.
Protein change: p.Gln1534=; no amino-acid change (glutamine 1534 retained).
Molecular consequence: synonymous variant.
Genome position (GRCh38, 1-based): chr21:46,399,607, A>G. VCF-style: chr21-46399607-A-G. GRCh37 (hg19) VCF-style: chr21-47819521-A-G.
Other names: c.4248A>G, p.Gln1416= (NM_001315529.2).
Identifiers: ClinVar variation 2652827 (VCV002652827.24), dbSNP rs770395220, ClinGen allele CA10079737.

ClinVar aggregate classification (germline): Likely benign (1 of 4 stars; one submission).

Allele frequency attached by ClinVar (database versions not stated): gnomAD exomes below 0.00001; ExAC 0.00001.
gnomAD v4.1: 1 of 1,613,326 alleles (0.000062%); highest among the groups gnomAD compares: South Asian, 0.0011%; no homozygotes.

Submission:

CeGaT Center for Human Genetics Tuebingen
Classification: Likely benign. Last evaluated: 2022-03-01. Review status: criteria provided, single submitter. Criteria: CeGaT Center For Human Genetics Tuebingen Variant Classification Criteria Version 2. Collection method: clinical testing. Allele origin: germline. Affected: yes. Observed: 1 variant allele.
Comment: PCNT: BP4, BP7